The following is an entry in ClinVar:

NM_006766.5(KAT6A):c.3992A>G (p.Glu1331Gly)

Gene: KAT6A (lysine acetyltransferase 6A; minus strand). Cytogenetic location: 8p11.21.
Variant type: single nucleotide variant.
Coding change: c.3992A>G on transcript NM_006766.5 (MANE Select); coding-DNA position 3992, A replaced by G.
Protein change: p.Glu1331Gly; replaces glutamic acid 1331 with glycine.
Molecular consequence: missense variant.
Genome position (GRCh38, 1-based): chr8:41,934,228, T>C on the plus strand (A>G on the coding strand, the complement: KAT6A is on the minus strand). VCF-style: chr8-41934228-T-C. GRCh37 (hg19) VCF-style: chr8-41791746-T-C.
Other names: short protein forms E1331G.
Identifiers: ClinVar variation 5008431 (VCV005008431.1).
Genomic context (GRCh38, chr8:41,934,228, plus strand): 5'-AAAGACTCTTGAACACCAGGCTCCTCCTTGACATCTTCCCTCGTGGGCTGTTCCTCTAGC[T>C]CCTTTTTCTTTGTGGACTCCAGGTGGCCATCATCCTCATCATCAGCGTCGTGGTCGTCAT-3'
Protein context (NP_006757.2, residues 1321-1341): DGHLESTKKK[Glu1331Gly]LEEQPTREDV

ClinVar aggregate classification (germline): Uncertain significance (1 of 4 stars; one submission).

Submission:

GeneDx
Classification: Uncertain significance. Last evaluated: 2026-03-16. Review status: criteria provided, single submitter. Criteria: GeneDx Variant Classification Process June 2021. Collection method: clinical testing. Allele origin: germline.
Comment: Not observed at significant frequency in large population cohorts (gnomAD); In silico analysis suggests that this missense variant does not alter protein structure/function; Has not been previously published as pathogenic or benign to our knowledge